The following is an entry in ClinVar:

ClinVar aggregate classification (germline): Uncertain significance (1 of 4 stars; one submission).

Conditions:
Inborn genetic diseases. Identifiers: MedGen C0950123, MeSH D030342.

Submission:

Ambry Genetics
Classification: Uncertain significance for Inborn genetic diseases. Last evaluated: 2025-05-20. Review status: criteria provided, single submitter. Criteria: Ambry Variant Classification Scheme 2023. Collection method: clinical testing. Allele origin: germline.
Comment: The c.1018G>A (p.V340I) alteration is located in exon 9 (coding exon 8) of the ACTG2 gene. This alteration results from a G to A substitution at nucleotide position 1018, causing the valine (V) at amino acid position 340 to be replaced by an isoleucine (I). This variant was not reported in population-based cohorts in the Genome Aggregation Database (gnomAD). This amino acid position is highly conserved in available vertebrate species. This missense alteration is located in a region that has a low rate of benign missense variation (Lek, 2016; Firth, 2009). The in silico prediction for this alteration is inconclusive. Based on insufficient or conflicting evidence, the clinical significance of this alteration remains unclear.

NM_001615.4(ACTG2):c.1018G>A (p.Val340Ile)

Gene: ACTG2 (actin gamma 2, smooth muscle; plus strand). Cytogenetic location: 2p13.1.
Variant type: single nucleotide variant.
Coding change: c.1018G>A on transcript NM_001615.4 (MANE Select); coding-DNA position 1018, G replaced by A.
Protein change: p.Val340Ile; replaces valine 340 with isoleucine.
Molecular consequence: missense variant.
Genome position (GRCh38, 1-based): chr2:73,919,462, G>A. VCF-style: chr2-73919462-G-A. GRCh37 (hg19) VCF-style: chr2-74146589-G-A.
Other names: c.889G>A, p.Val297Ile (NM_001199893.2); short protein forms V340I, V297I.
Identifiers: ClinVar variation 4001673 (VCV004001673.1).
Genomic context (GRCh38, chr2:73,919,462, plus strand): 5'-ATCATGATTCACCACATTTGTTCTTTGCAGATTATTGCTCCCCCAGAGCGGAAGTACTCA[G>A]TCTGGATCGGGGGCTCTATCCTGGCCTCTCTCTCCACCTTCCAGCAGATGTGGATCAGCA-3'
Protein context (NP_001606.1, residues 330-350): IIAPPERKYS[Val340Ile]WIGGSILASL